The following is an entry in ClinVar:

ClinVar aggregate classification (germline): Pathogenic/Likely pathogenic. Review status: criteria provided, multiple submitters, no conflicts (2 of 4 stars). 3 submissions from 3 submitters: Pathogenic (2); Likely pathogenic (1). Last evaluated 2025-12-29.

Conditions:
Hereditary cancer-predisposing syndrome. Also called: Hereditary neoplastic syndrome; Tumor predisposition; Neoplastic Syndromes, Hereditary; Hereditary Cancer Syndrome. Identifiers: Orphanet 140162, MedGen C0027672, MeSH D009386, MONDO:0015356.
Breast-ovarian cancer, familial, susceptibility to, 2 (BROVCA2). Also called: BRCA2 Hereditary Breast and Ovarian Cancer. Identifiers: Orphanet 145, MedGen C2675520, MONDO:0012933, OMIM 612555. Disease mechanism: loss of function.

Submissions (3):

Myriad Genetics, Inc.
Classification: Pathogenic for Breast-ovarian cancer, familial, susceptibility to, 2. Last evaluated: 2025-12-29. Review status: criteria provided, single submitter. Criteria: Myriad Autosomal Dominant, Autosomal Recessive and X-Linked Classification Criteria (2023). Collection method: clinical testing. Allele origin: unknown.
Comment: This variant is considered pathogenic. This variant creates a frameshift predicted to result in premature protein truncation.

Baylor Genetics
Classification: Likely pathogenic for Breast-ovarian cancer, familial, susceptibility to, 2. Last evaluated: 2023-08-23. Review status: criteria provided, single submitter. Criteria: ACMG Guidelines, 2015. Collection method: clinical testing. Allele origin: unknown.

Ambry Genetics
Classification: Pathogenic for Hereditary cancer-predisposing syndrome. Last evaluated: 2023-01-25. Review status: criteria provided, single submitter. Criteria: Ambry Variant Classification Scheme 2023. Collection method: clinical testing. Allele origin: germline.
Comment: The c.8265_8275del11 pathogenic mutation, located in coding exon 17 of the BRCA2 gene, results from a deletion of 11 nucleotides at nucleotide positions 8265 to 8275, causing a translational frameshift with a predicted alternate stop codon (p.A2756Gfs*4). This variant is considered to be rare based on population cohorts in the Genome Aggregation Database (gnomAD). This alteration is expected to result in loss of function by premature protein truncation or nonsense-mediated mRNA decay. As such, this alteration is interpreted as a disease-causing mutation.

NM_000059.4(BRCA2):c.8265_8275del (p.Ala2756fs)

Gene: BRCA2 (BRCA2 DNA repair associated; plus strand). Cytogenetic location: 13q13.1.
Variant type: Deletion.
Coding change: c.8265_8275del on transcript NM_000059.4 (MANE Select); coding-DNA positions 8265 to 8275, 11 bases deleted (AGCAGAACTGG).
Protein change: p.Ala2756fs; shifts the reading frame from alanine 2756.
Molecular consequence: frameshift variant. On other transcripts: non-coding transcript variant (1).
Genome position (GRCh38, 1-based): chr13:32,363,467-32,363,477, AGCAGAACTGG deleted; deleting any 11 consecutive bases within chr13:32,363,464-32,363,477 gives the same sequence; the c. name uses the placement nearest the transcript's 3' end. VCF-style (leftmost placement, unchanged base first): chr13-32363463-ATGGAGCAGAAC-A. GRCh37 (hg19) VCF-style: chr13-32937600-ATGGAGCAGAAC-A.
Other names: c.8265_8275delAGCAGAACTGG, p.Ala2756Glyfs (NM_000059.3); c.8169_8179del, p.Ala2724fs (NM_001406719.1); c.8265_8275del, p.Ala2756fs (NM_001406720.1); c.3333_3343del, p.Ala1112fs (NM_001406721.1); c.1848_1858del, p.Ala617fs (NM_001406722.1); c.8265_8275del11 (NM_000059.3); c.8265_8275del (NM_000059.3); short protein forms A2756fs, A617fs, A1112fs, A2724fs.
Identifiers: ClinVar variation 2451535 (VCV002451535.4), dbSNP rs2548546894, ClinGen allele CA2580087503.